The following is an entry in ClinVar:

ClinVar aggregate classification (germline): Pathogenic. Review status: criteria provided, multiple submitters, no conflicts (2 of 4 stars). 3 submissions from 3 submitters: Pathogenic (2). 1 of the submissions does not count toward it. Last evaluated 2024-07-19.

Conditions:
Inborn genetic diseases. Identifiers: MedGen C0950123, MeSH D030342.
Intellectual developmental disorder, autosomal dominant 50, with behavioral abnormalities. Also called: MENTAL RETARDATION, AUTOSOMAL DOMINANT 50; Intellectual disability, autosomal dominant 50. Identifiers: MedGen C4540470, MONDO:0030916, OMIM 617787.

Submissions (3):

Ambry Genetics
Classification: Pathogenic for Inborn genetic diseases. Last evaluated: 2024-07-19. Review status: criteria provided, single submitter. Criteria: Ambry Variant Classification Scheme 2023. Collection method: clinical testing. Allele origin: germline.
Comment: The c.1009_1012delGAAA (p.E337Rfs*5) alteration, located in exon 9 (coding exon 9) of the NAA15 gene, consists of a deletion of 4 nucleotides from position 1009 to 1012, causing a translational frameshift with a predicted alternate stop codon after 5 amino acids. This alteration is expected to result in loss of function by premature protein truncation or nonsense-mediated mRNA decay. This variant was not reported in population-based cohorts in the Genome Aggregation Database (gnomAD). This variant has been determined to be the result of a de novo mutation in multiple individuals with features consistent with NAA15-related neurodevelopmental disorder (Zaidi, 2013; Cheng, 2018; Ritter, 2021). Functional analysis of patient derived cells showed degradation of the mutant NAA15 mRNA, suggesting nonsense-mediated decay (Cheng, 2018). Based on the available evidence, this alteration is classified as pathogenic.

Greenwood Genetic Center Diagnostic Laboratories, Greenwood Genetic Center
Classification: Pathogenic for Intellectual developmental disorder, autosomal dominant 50, with behavioral abnormalities. Last evaluated: 2022-05-10. Review status: criteria provided, single submitter. Criteria: ACMG Guidelines, 2015. Collection method: clinical testing. Allele origin: germline. Affected: yes.
Comment: PVS2, PS2, PS4, PM2

OMIM
Classification: Pathogenic for INTELLECTUAL DEVELOPMENTAL DISORDER, AUTOSOMAL DOMINANT 50, WITH BEHAVIORAL ABNORMALITIES. Last evaluated: 2021-07-07. Review status: no assertion criteria provided. Collection method: literature only. Allele origin: germline. Not counted in ClinVar's aggregate classification.

Literature cited by the submitters: PubMed 23665959 (cited by Ambry Genetics); PubMed 29656860 (cited by Ambry Genetics and OMIM); PubMed 33103328 (cited by Ambry Genetics).

NM_057175.5(NAA15):c.1009_1012del (p.Glu337fs)

Gene: NAA15 (N-alpha-acetyltransferase 15, NatA auxiliary subunit; plus strand). Cytogenetic location: 4q31.1.
Variant type: Deletion.
Coding change: c.1009_1012del on transcript NM_057175.5 (MANE Select); coding-DNA positions 1009 to 1012, 4 bases deleted (GAAA; older notation c.1009_1012delGAAA).
Protein change: p.Glu337fs; shifts the reading frame from glutamic acid 337.
Molecular consequence: frameshift variant.
Genome position (GRCh38, 1-based): chr4:139,351,606-139,351,609, GAAA deleted; deleting any 4 consecutive bases within chr4:139,351,603-139,351,609 gives the same sequence; the c. name uses the placement nearest the transcript's 3' end. VCF-style (leftmost placement, unchanged base first): chr4-139351602-CAAAG-C. GRCh37 (hg19) VCF-style: chr4-140272756-CAAAG-C.
Other names: c.1009_1012delGAAA (NM_057175.3); short protein forms E337fs.
Identifiers: ClinVar variation 559846 (VCV000559846.7), dbSNP rs1553996086, ClinGen allele CA658789069.